The following continues an entry in ClinVar:

NM_000350.3(ABCA4):c.2588G>C (p.Gly863Ala)

Gene: ABCA4. ClinVar aggregate classification (germline): Uncertain significance. Uncertain significance (1).

Submissions 16 to 26 of 53:

Department of Pathology and Laboratory Medicine, Sinai Health System
Classification: Pathogenic for Severe early-childhood-onset retinal dystrophy; Retinitis pigmentosa 19; Cone-rod dystrophy 3. Last evaluated: 2023-08-02. Review status: criteria provided, single submitter. Criteria: ACMG Guidelines, 2015. Collection method: research. Allele origin: germline. Not counted in ClinVar's aggregate classification.

Institute of Human Genetics, University of Leipzig Medical Center
Classification: Pathogenic for Retinitis pigmentosa 19. Last evaluated: 2023-03-07. Review status: criteria provided, single submitter. Criteria: ACMG Guidelines, 2015. Collection method: clinical testing. Allele origin: unknown. Affected: yes. Not counted in ClinVar's aggregate classification.
Comment: This variant was identified together with NM_000350.3:c.2828G>A._x000D_ Criteria applied: PM3_VSTR, PS3_MOD, PM5, PP1, PP3

Institute of Human Genetics, Univ. Regensburg, Univ. Regensburg
Classification: Uncertain significance for Retinal dystrophy. Last evaluated: 2023-01-01. Review status: criteria provided, single submitter. Criteria: ACMG Guidelines, 2015. Collection method: clinical testing. Allele origin: germline. Affected: yes. Not counted in ClinVar's aggregate classification.

Mendelics
Classification: Pathogenic for Severe early-childhood-onset retinal dystrophy. Last evaluated: 2022-05-27. Review status: criteria provided, single submitter. Criteria: Mendelics Assertion Criteria 2017. Collection method: clinical testing. Allele origin: unknown. Not counted in ClinVar's aggregate classification.

GeneDx
Classification: Pathogenic. Last evaluated: 2022-04-12. Review status: criteria provided, single submitter. Criteria: GeneDx Variant Classification Process June 2021. Collection method: clinical testing. Allele origin: germline. Affected: yes. Not counted in ClinVar's aggregate classification.
Comment: Most common allele among individuals with Stargardt disease in Northern Europe, representing roughly 20-30% of disease associated alleles (Maugeri et al., 1999).; RNA studies demonstrated that the c.2588 G>C nucleotide change results in the utilization of an alternate splice site, which could produce an abnormal protein lacking the Gly863 residue (aka p.G863del) (Maugeri et al., 1999); Published functional studies demonstrate that G863A has minimal effect on ATP hydrolysis, but significantly reduces interaction of the nucleotide binding domain 1 of the ABCA4 protein with 11-cis-retinal (Biswas-Fiss et al., 2012); One study proposes G863A exhibits pathogenicity only when observed in cis with the common N1868I variant (Zernant et al., 2017); This variant is associated with the following publications: (PMID: 25082885, 25884411, 25346251, 25444351, 25712131, 25922843, 25097241, 9054934, 28446513, 28248825, 27939946, 28044389, 30643219, 30609409, 30718709, 30215852, 28559085, 32845050, 31456290, 25283059, 24082139, 24154662, 25333069, 11017087, 20981092, 22264887, 12192456, 11919200, 25363634, 23144455, 10612508, 23695285, 24713488, 25681002, 28327576, 26247787, 10090887, 28041643, 28341476, 29555955, 3002862, 29310964, 29431110, 29162642, 30563929, 29925512, 32467599, 31980526, 32036094, 32581362, 34426522, 34570182, 32619608, 32913387, 32815999, 32037395, 11527935)

MGZ Medical Genetics Center
Classification: Pathogenic for Severe early-childhood-onset retinal dystrophy. Last evaluated: 2021-12-20. Review status: criteria provided, single submitter. Criteria: ACMG Guidelines, 2015. Collection method: clinical testing. Allele origin: germline. Affected: yes. Observed: 1 variant allele. Not counted in ClinVar's aggregate classification.
Comment: ACMG criteria applied: PS4, PM3_STR, PS3_SUP, PP1, PP3

Department of Human Genetics, Hannover Medical School
Classification: Pathogenic for Severe early-childhood-onset retinal dystrophy. Last evaluated: 2021-11-15. Review status: criteria provided, single submitter. Criteria: ACMG Guidelines, 2015. Collection method: clinical testing. Allele origin: germline. Inheritance: Autosomal recessive inheritance. Affected: yes. Not counted in ClinVar's aggregate classification.

Victorian Clinical Genetics Services, Murdoch Childrens Research Institute
Classification: Pathogenic for Severe early-childhood-onset retinal dystrophy. Last evaluated: 2021-05-06. Review status: criteria provided, single submitter. Criteria: ACMG Guidelines, 2015. Collection method: clinical testing. Allele origin: germline. Inheritance: Autosomal recessive inheritance. Not counted in ClinVar's aggregate classification.
Comment: Based on the classification scheme VCGS_Germline_v1.3.3, this variant is classified as Pathogenic. Following criteria are met: 0102 - Loss of function is a known mechanism of disease in this gene and is associated with retinal dystrophy, Stargardt disease 1 (MIM#248200) and cone-rod dystrophy (MIM#604116). (I) 0106 - This gene is associated with autosomal recessive disease. (I) 0115 - Variants in this gene are known to have variable expressivity. Affected siblings can have variable age of onset and severity of disease (PMID:31522899). 0200 - Variant is predicted to result in a missense amino acid change from glycine to alanine. This variant also leads to aberrant splicing resulting in the in-frame deletion of this residue (p.(Gly863del)) in approximately 50% of transcripts (PMID:10090887). (I) 0251 - This variant is heterozygous. (I) 0304 - Variant is present in gnomAD (v2, European subpopulation) <0.01 for a recessive condition (1200 heterozygotes, 7 homozygotes). (SP) 0309 - An alternative amino acid change p.(Gly863Glu) at the same position has been observed in gnomAD (v2) (1 heterozygote, 0 homozygotes). (I) 0502 - Missense variant with conflicting in silico predictions and uninformative conservation. (I) 0600 - Variant is located in the annotated Nucleotide Binding Domain 1 (NBD1) (PMID: 11444963). (I) 0801 - This variant has strong previous evidence of pathogenicity in unrelated individuals. The frequently reported p.[Gly863Ala, Gly863del] variant has strong evidence supporting pathogenicity when in cis with p.(Asn1868Ile) and in trans with a second pathogenic variant. This variant is unlikely to be disease-causing on its own, however the complex allele is fully penetrant and is associated with mild to moderate disease with variable phenotype, depending on the variant on the opposite allele (ClinVar, PMID:9054934, 28044389, 28446513, 32278709). (SP) 0901 - This variant has strong evidence for segregation with disease. This variant segregates with disease, in a compound heterozygous state with a second pathogenic allele, in at least 5 families in the literature (PMID: 10612508, 31522899). (SP) 1002 - This variant has moderate functional evidence supporting abnormal protein function. This variant leads to reduced protein expression, ATP-binding affinity, and ATP hydrolysis in in vitro studies (PMID: 11017087, 11919200). (SP) 1208 - Inheritance information for this variant is not currently available in this individual. (I) Legend: (SP) - Supporting pathogenic, (I) - Information, (SB) - Supporting benign

Broad Center for Mendelian Genomics, Broad Institute of MIT and Harvard
Classification: Pathogenic for Retinitis pigmentosa. Last evaluated: 2021-04-01. Review status: criteria provided, single submitter. Criteria: ACMG Guidelines, 2015. Collection method: curation. Allele origin: germline. Inheritance: Autosomal recessive inheritance. Affected: yes. Not counted in ClinVar's aggregate classification.
Comment: Through a review of available evidence we were able to apply the following criteria: PS3, PM2, PM3, PP1, PP3. Based on this evidence we have classified this variant as Pathogenic. If you have any questions about the classification please reach out to the Pierce Lab.

Institute of Medical Genetics and Applied Genomics, University Hospital Tübingen
Classification: Pathogenic. Last evaluated: 2020-10-23. Review status: criteria provided, single submitter. Criteria: ACMG Guidelines, 2015. Collection method: clinical testing. Allele origin: germline. Inheritance: Unknown mechanism. Affected: yes. Not counted in ClinVar's aggregate classification.

Genetics and Molecular Pathology, SA Pathology
Classification: Pathogenic for Severe early-childhood-onset retinal dystrophy. Last evaluated: 2020-07-20. Review status: criteria provided, single submitter. Criteria: ACMG Guidelines, 2015. Collection method: clinical testing. Allele origin: germline. Inheritance: Autosomal recessive inheritance. Affected: yes. Not counted in ClinVar's aggregate classification.
Comment: Although common this variant has been reported in the compound-heterozygous state in several individuals and families affected with Stargardt disease and retinitis pigmentosa (PMID: 10612508, 10634594, 10090887, 12192456, 9054934, 23695285, 26247787, 25097241, 28041643). However, studies suggest that this is a mild variant that may only cause disease when in combination with a severe, pathogenic ABCA4 variant (PMID: 10090887). ClinVar contains an entry for this variant (Variation ID: 7879). Experimental studies have shown that this variant results in the production of two transcripts: one that lacks glycine 863 and the other with the Gly863Ala missense change (PMID: 10090887). Additional functional studies have shown that this missense change affects nucleotide hydrolysis and reduces the interaction of ABCA4 with 11-cis-retinal (PMID: 11919200, 23144455, 11017087). In summary, this variant is reported to cause autosomal recessive Stargardt disease and retinitis pigmentosa. However, as this variant is associated with a lower penetrance than other pathogenic alleles in the ABCA4 gene, and as it may not result in disease in the homozygous state, it has been classified as Pathogenic (low penetrance).